The following is an entry in ClinVar:

NM_007078.3(LDB3):c.2025C>T (p.Pro675=)

Gene: LDB3 (LIM domain binding 3; plus strand). Cytogenetic location: 10q23.2.
Variant type: single nucleotide variant.
Coding change: c.2025C>T on transcript NM_007078.3 (MANE Select); coding-DNA position 2025, C replaced by T.
Protein change: p.Pro675=; no amino-acid change (proline 675 retained).
Molecular consequence: synonymous variant.
Genome position (GRCh38, 1-based): chr10:86,726,183, C>T. VCF-style: chr10-86726183-C-T. GRCh37 (hg19) VCF-style: chr10-88485940-C-T.
Other names: c.1695C>T, p.Pro565= (NM_001080114.2); c.2040C>T, p.Pro680= (NM_001171610.2); c.1836C>T, p.Pro612= (NM_001368064.1, NM_001368065.1); c.1884C>T, p.Pro628= (NM_001368066.1).
Identifiers: ClinVar variation 227497 (VCV000227497.15), dbSNP rs876657490, ClinGen allele CA5585300.

ClinVar aggregate classification (germline): Likely benign. Review status: criteria provided, multiple submitters, no conflicts (2 of 4 stars). 3 submissions from 3 submitters: Likely benign (3). Last evaluated 2024-08-16.

Conditions:
Cardiovascular phenotype. Identifiers: MedGen CN230736.
Myofibrillar myopathy 4. Also called: Zaspopathy (type). Identifiers: Orphanet 98912, MedGen C4721886, MONDO:0012277, OMIM 609452.

Allele frequency attached by ClinVar (database versions not stated): gnomAD 0.00001; gnomAD exomes 0.00001; ExAC 0.00002; TOPMed 0.00002.
gnomAD v4.1: 20 of 1,613,944 alleles (0.0012%); highest among the groups gnomAD compares: Non-Finnish European, 0.0015%; no homozygotes.

Submissions (3):

Ambry Genetics
Classification: Likely benign for Cardiovascular phenotype. Last evaluated: 2024-08-16. Review status: criteria provided, single submitter. Criteria: Ambry Variant Classification Scheme 2023. Collection method: clinical testing. Allele origin: germline.

Labcorp Genetics (formerly Invitae), Labcorp
Classification: Likely benign for Myofibrillar myopathy 4. Last evaluated: 2020-07-09. Review status: criteria provided, single submitter. Criteria: Invitae Variant Classification Sherloc (09022015). Collection method: clinical testing. Allele origin: germline.

Laboratory for Molecular Medicine, Mass General Brigham Personalized Medicine
Classification: Likely benign. Last evaluated: 2015-07-22. Review status: criteria provided, single submitter. Criteria: LMM Criteria. Collection method: clinical testing. Allele origin: germline. Observed: 1 variant allele.
Comment: p.Pro675Pro in exon 12 of LDB3: This variant is not expected to have clinical si gnificance because it does not alter an amino acid residue and is not located wi thin the splice consensus sequence. It has been identified in 2/66732 European c hromosomes by the Exome Aggregation Consortium (ExAC .org).